The following is an entry in ClinVar:

ClinVar aggregate classification (germline): Likely benign. Review status: criteria provided, multiple submitters, no conflicts (2 of 4 stars). 6 submissions from 4 submitters: Likely benign (6). Last evaluated 2023-08-15.

Conditions:
Cardiovascular phenotype. Identifiers: MedGen CN230736.
Hypertrophic cardiomyopathy 2. Also called: TNNT2-Related Familial Hypertrophic Cardiomyopathy. Identifiers: MedGen C1861864, MONDO:0007266, OMIM 115195.
Dilated cardiomyopathy 1D. Identifiers: Orphanet 154, Orphanet 54260, MedGen C1832243, MONDO:0011095, OMIM 601494.
Cardiomyopathy, familial restrictive, 3. Identifiers: Orphanet 75249, MedGen C2676271, MONDO:0012900, OMIM 612422.
Cardiomyopathy (CMYO). Also called: Cardiomyopathies. Identifiers: Orphanet 167848, MedGen C0878544, MONDO:0004994, HP:0001638. Inheritance: Various modes of inheritance.

Allele frequency attached by ClinVar (database versions not stated): gnomAD exomes below 0.00001.
gnomAD v4.1: 3 of 1,613,362 alleles (0.00019%); highest among the groups gnomAD compares: African/African-American, 0.0013%; no homozygotes.

Submissions (6):

All of Us Research Program, National Institutes of Health
Classification: Likely benign for Cardiomyopathy. Last evaluated: 2023-08-15. Review status: criteria provided, single submitter. Criteria: ACMG Guidelines, 2015. Collection method: clinical testing. Allele origin: germline. Inheritance: Autosomal dominant inheritance. Observed: 1 variant allele, 1 heterozygote.
Comment: This study involves interpretation of variants in research participants for the purpose of population health screening. Participant phenotype was not available at the time of variant classification. Additional details can be found in publication PMID: 35346344, PMCID: PMC8962531

Genome-Nilou Lab
Classification: Likely benign for Dilated cardiomyopathy 1D. Last evaluated: 2023-04-11. Review status: criteria provided, single submitter. Criteria: ACMG Guidelines, 2015. Collection method: clinical testing. Allele origin: germline. Affected: no.

Genome-Nilou Lab
Classification: Likely benign for Cardiomyopathy, familial restrictive, 3. Last evaluated: 2023-04-11. Review status: criteria provided, single submitter. Criteria: ACMG Guidelines, 2015. Collection method: clinical testing. Allele origin: germline. Affected: no.

Genome-Nilou Lab
Classification: Likely benign for Hypertrophic cardiomyopathy 2. Last evaluated: 2023-04-11. Review status: criteria provided, single submitter. Criteria: ACMG Guidelines, 2015. Collection method: clinical testing. Allele origin: germline. Affected: no.

Labcorp Genetics (formerly Invitae), Labcorp
Classification: Likely benign for Cardiomyopathy, familial restrictive, 3; Hypertrophic cardiomyopathy 2; Dilated cardiomyopathy 1D. Last evaluated: 2022-03-08. Review status: criteria provided, single submitter. Criteria: Invitae Variant Classification Sherloc (09022015). Collection method: clinical testing. Allele origin: germline.

Ambry Genetics
Classification: Likely benign for Cardiovascular phenotype. Last evaluated: 2021-04-22. Review status: criteria provided, single submitter. Criteria: Ambry Variant Classification Scheme 2023. Collection method: clinical testing. Allele origin: germline.

NM_001276345.2(TNNT2):c.444G>A (p.Gln148=)

Gene: TNNT2 (troponin T2, cardiac type; minus strand). Cytogenetic location: 1q32.1.
Variant type: single nucleotide variant.
Coding change: c.444G>A on transcript NM_001276345.2 (MANE Select); coding-DNA position 444, G replaced by A.
Protein change: p.Gln148=; no amino-acid change (glutamine 148 retained).
Molecular consequence: synonymous variant.
Genome position (GRCh38, 1-based): chr1:201,364,343, C>T on the plus strand (G>A on the coding strand, the complement: TNNT2 is on the minus strand). VCF-style: chr1-201364343-C-T. GRCh37 (hg19) VCF-style: chr1-201333471-C-T.
Other names: c.444G>A, p.Gln148= (NM_000364.4); c.414G>A, p.Gln138= (NM_001001430.3, NM_001001431.3, NM_001276347.2); c.399G>A, p.Gln133= (NM_001001432.3); c.324G>A, p.Gln108= (NM_001276346.2).
Identifiers: ClinVar variation 1636940 (VCV001636940.12), dbSNP rs2102253556, ClinGen allele CA028764.